The following is an entry in ClinVar:

NM_000245.4(MET):c.2265-57C>T

Gene: MET (MET proto-oncogene, receptor tyrosine kinase; plus strand). Cytogenetic location: 7q31.2.
Variant type: single nucleotide variant.
Coding change: c.2265-57C>T on transcript NM_000245.4 (MANE Select); 57 bases into the intron before coding-DNA position 2265, C replaced by T.
Molecular consequence: intron variant.
Genome position (GRCh38, 1-based): chr7:116,759,334, C>T. VCF-style: chr7-116759334-C-T. GRCh37 (hg19) VCF-style: chr7-116399388-C-T.
Other names: c.2265-3C>T (NM_001127500.3); c.975-57C>T (NM_001324402.2); c.2265-57C>T (NM_001324401.3).
Identifiers: ClinVar variation 568469 (VCV000568469.11), dbSNP rs1562923455, ClinGen allele CA891843307.

ClinVar aggregate classification (germline): Uncertain significance. Review status: criteria provided, multiple submitters, no conflicts (2 of 4 stars). 2 submissions from 2 submitters: Uncertain significance (2). Last evaluated 2024-05-16.

Conditions:
Renal cell carcinoma. Identifiers: Orphanet 217071, MedGen C0007134, MeSH D002292, MONDO:0005086, HP:0005584.
Hereditary cancer-predisposing syndrome. Also called: Neoplastic Syndromes, Hereditary; Tumor predisposition; Hereditary neoplastic syndrome; Hereditary Cancer Syndrome. Identifiers: Orphanet 140162, MedGen C0027672, MeSH D009386, MONDO:0015356.

Allele frequency attached by ClinVar (database versions not stated): gnomAD exomes below 0.00001.
gnomAD v4.1: 2 of 1,581,504 alleles (0.00013%); highest among the groups gnomAD compares: Non-Finnish European, 0.000086%; no homozygotes.

Submissions (2):

Ambry Genetics
Classification: Uncertain significance for Hereditary cancer-predisposing syndrome. Last evaluated: 2024-05-16. Review status: criteria provided, single submitter. Criteria: Ambry Variant Classification Scheme 2023. Collection method: clinical testing. Allele origin: germline.
Comment: The c.2265-3C>T intronic variant results from a C to T substitution 3 nucleotides upstream from coding exon 9 in the MET gene. This nucleotide position is poorly conserved in available vertebrate species. In silico splice site analysis predicts that this alteration will not have any significant effect on splicing. Based on the available evidence, the clinical significance of this variant remains unclear.

Labcorp Genetics (formerly Invitae), Labcorp
Classification: Uncertain significance for Renal cell carcinoma. Last evaluated: 2023-09-17. Review status: criteria provided, single submitter. Criteria: Invitae Variant Classification Sherloc (09022015). Collection method: clinical testing. Allele origin: germline.
Comment: This sequence change falls in intron 9 of the MET gene. It does not directly change the encoded amino acid sequence of the MET protein. It affects a nucleotide within the consensus splice site. In summary, the available evidence is currently insufficient to determine the role of this variant in disease. Therefore, it has been classified as a Variant of Uncertain Significance. Variants that disrupt the consensus splice site are a relatively common cause of aberrant splicing (PMID: 17576681, 9536098). Algorithms developed to predict the effect of sequence changes on RNA splicing suggest that this variant may disrupt the consensus splice site. ClinVar contains an entry for this variant (Variation ID: 568469). This variant has not been reported in the literature in individuals affected with MET-related conditions. This variant is not present in population databases (gnomAD no frequency).

Literature cited by the submitters: PubMed 17576681 (cited by Labcorp Genetics (formerly Invitae), Labcorp); PubMed 9536098 (cited by Labcorp Genetics (formerly Invitae), Labcorp).